The following is an entry in ClinVar:

NM_199420.4(POLQ):c.6146A>T (p.Glu2049Val)

Gene: POLQ (DNA polymerase theta; minus strand). Cytogenetic location: 3q13.33.
Variant type: single nucleotide variant.
Coding change: c.6146A>T on transcript NM_199420.4 (MANE Select); coding-DNA position 6146, A replaced by T.
Protein change: p.Glu2049Val; replaces glutamic acid 2049 with valine.
Molecular consequence: missense variant.
Genome position (GRCh38, 1-based): chr3:121,481,637, T>A on the plus strand (A>T on the coding strand, the complement: POLQ is on the minus strand). VCF-style: chr3-121481637-T-A. GRCh37 (hg19) VCF-style: chr3-121200484-T-A.
Other names: short protein forms E2049V.
Identifiers: ClinVar variation 1751858 (VCV001751858.2), dbSNP rs2546780306, ClinGen allele CA354087731.

ClinVar aggregate classification (germline): Uncertain significance (1 of 4 stars; one submission).

Submission:

Ambry Genetics
Classification: Uncertain significance. Last evaluated: 2022-06-23. Review status: criteria provided, single submitter. Criteria: Ambry Variant Classification Scheme 2023. Collection method: clinical testing. Allele origin: germline.
Comment: The p.E2049V variant (also known as c.6146A>T), located in coding exon 19 of the POLQ gene, results from an A to T substitution at nucleotide position 6146. The glutamic acid at codon 2049 is replaced by valine, an amino acid with dissimilar properties. This amino acid position is conserved. In addition, this alteration is predicted to be deleterious by in silico analysis. Since supporting evidence is limited at this time, the clinical significance of this alteration remains unclear.